The following is an entry in ClinVar:

ClinVar aggregate classification (germline): Uncertain significance (1 of 4 stars; one submission).

Conditions:
Developmental and epileptic encephalopathy, 30 (DEE30). Also called: Epileptic encephalopathy, early infantile, 30. Identifiers: MedGen C4225360, MONDO:0014595, OMIM 616341.

Submission:

Labcorp Genetics (formerly Invitae), Labcorp
Classification: Uncertain significance for Developmental and epileptic encephalopathy, 30. Last evaluated: 2022-08-24. Review status: criteria provided, single submitter. Criteria: Invitae Variant Classification Sherloc (09022015). Collection method: clinical testing. Allele origin: germline.
Comment: In summary, the available evidence is currently insufficient to determine the role of this variant in disease. Therefore, it has been classified as a Variant of Uncertain Significance. Advanced modeling of protein sequence and biophysical properties (such as structural, functional, and spatial information, amino acid conservation, physicochemical variation, residue mobility, and thermodynamic stability) performed at Invitae indicates that this missense variant is not expected to disrupt SIK1 protein function. This variant has not been reported in the literature in individuals affected with SIK1-related conditions. This variant is not present in population databases (gnomAD no frequency). This sequence change replaces valine, which is neutral and non-polar, with leucine, which is neutral and non-polar, at codon 744 of the SIK1 protein (p.Val744Leu).

NM_173354.5(SIK1):c.2230G>C (p.Val744Leu)

Gene: SIK1 (salt inducible kinase 1; minus strand). Cytogenetic location: 21q22.3.
Variant type: single nucleotide variant.
Coding change: c.2230G>C on transcript NM_173354.5 (MANE Select); coding-DNA position 2230, G replaced by C.
Protein change: p.Val744Leu; replaces valine 744 with leucine.
Molecular consequence: missense variant.
Genome position (GRCh38, 1-based): chr21:43,416,864, C>G on the plus strand (G>C on the coding strand, the complement: SIK1 is on the minus strand). VCF-style: chr21-43416864-C-G. GRCh37 (hg19) VCF-style: chr21-44836744-C-G.
Other names: short protein forms V744L.
Identifiers: ClinVar variation 2003130 (VCV002003130.4), dbSNP rs541090322, ClinGen allele CA410606406.